The following is an entry in ClinVar:

ClinVar aggregate classification (germline): Uncertain significance. Review status: criteria provided, multiple submitters, no conflicts (2 of 4 stars). 2 submissions from 2 submitters: Uncertain significance (2). Last evaluated 2025-08-27.

Conditions:
Hereditary cancer-predisposing syndrome. Also called: Neoplastic Syndromes, Hereditary; Hereditary Cancer Syndrome; Tumor predisposition; Hereditary neoplastic syndrome. Identifiers: Orphanet 140162, MedGen C0027672, MeSH D009386, MONDO:0015356.
Familial adenomatous polyposis 2. Also called: ADENOMAS, MULTIPLE COLORECTAL, AUTOSOMAL RECESSIVE; MUTYH-associated polyposis; COLORECTAL ADENOMATOUS POLYPOSIS, AUTOSOMAL RECESSIVE; MUTYH Polyposis; MYH-associated polyposis; Adenomas, multiple colorectal. Identifiers: Orphanet 220460, Orphanet 247798, MedGen C3272841, MONDO:0012041, OMIM 608456.

Allele frequency attached by ClinVar (database versions not stated): gnomAD exomes below 0.00001.
gnomAD v4.1: 1 of 1,614,156 alleles (0.000062%); highest among the groups gnomAD compares: Non-Finnish European, 0.000085%; no homozygotes.

Submissions (2):

Ambry Genetics
Classification: Uncertain significance for Hereditary cancer-predisposing syndrome. Last evaluated: 2025-08-27. Review status: criteria provided, single submitter. Criteria: Ambry Variant Classification Scheme 2023. Collection method: clinical testing. Allele origin: germline.
Comment: The p.G381A variant (also known as c.1142G>C), located in coding exon 12 of the MUTYH gene, results from a G to C substitution at nucleotide position 1142. The glycine at codon 381 is replaced by alanine, an amino acid with similar properties. This amino acid position is conserved. In addition, this alteration is predicted to be tolerated by in silico analysis. Based on the available evidence, the clinical significance of this variant remains unclear.

St. Jude Molecular Pathology, St. Jude Children's Research Hospital
Classification: Uncertain significance for Familial adenomatous polyposis 2. Last evaluated: 2023-06-15. Review status: criteria provided, single submitter. Criteria: St. Jude Assertion Criteria 2020. Collection method: clinical testing. Allele origin: germline.
Comment: The MUTYH c.1142G>C (p.Gly381Ala) missense change is absent in gnomAD v2.1.1. The in silico tool REVEL predicts a benign effect on protein function, but to our knowledge this prediction has not been confirmed by functional studies. To our knowledge, this variant has not been reported in individuals with MUTYH-associated polyposis. In summary, the evidence currently available is insufficient to determine the clinical significance of this variant. It has therefore been classified as of uncertain significance.

NM_001048174.2(MUTYH):c.1058G>C (p.Gly353Ala)

Gene: MUTYH (mutY DNA glycosylase; minus strand). Cytogenetic location: 1p34.1.
Variant type: single nucleotide variant.
Coding change: c.1058G>C on transcript NM_001048174.2 (MANE Select); coding-DNA position 1058, G replaced by C.
Protein change: p.Gly353Ala; replaces glycine 353 with alanine.
Molecular consequence: missense variant. On other transcripts: non-coding transcript variant (7).
Genome position (GRCh38, 1-based): chr1:45,331,705, C>G on the plus strand (G>C on the coding strand, the complement: MUTYH is on the minus strand). VCF-style: chr1-45331705-C-G. GRCh37 (hg19) VCF-style: chr1-45797377-C-G.
Other names: c.1058G>C, p.Gly353Ala (NM_001048171.2, NM_001048173.2, NM_001407081.1 and 6 more transcripts); c.1061G>C, p.Gly354Ala (NM_001048172.2, NM_001407086.1, NM_001407071.1 and 1 more transcripts); c.1016G>C, p.Gly339Ala (NM_001407080.1); c.713G>C, p.Gly238Ala (NM_001407082.1, NM_001350650.2, NM_001350651.2); c.1100G>C, p.Gly367Ala (NM_001407083.1, NM_001407085.1); c.1079G>C, p.Gly360Ala (NM_001407087.1); c.782G>C, p.Gly261Ala (NM_001407091.1, NM_001293192.2, NM_001293196.2); c.1133G>C, p.Gly378Ala (NM_012222.3); and 5 more; short protein forms G238A, G261A, G325A, G339A, G340A, G353A, G354A, G360A.
Identifiers: ClinVar variation 2577896 (VCV002577896.2), dbSNP rs2523995925, ClinGen allele CA340133411.
Genomic context (GRCh38, chr1:45,331,705, plus strand): 5'-CCCAGTATCCAGGTACCTGAGTTGGGCCTCTGCACCAGCAGAATTTGGGCCCCAAGGGCC[C>G]CAGGCTGTTCCAGAACACAGGTGGCAGAGCTCTCCTCCCTGGGGGGCTTGCGGCTGGCCT-3'
Protein context (NP_001041639.1, residues 343-363): SSATCVLEQP[Gly353Ala]ALGAQILLVQ